The following is an entry in ClinVar:

NM_001206927.2(DNAH8):c.12958T>C (p.Ser4320Pro)

Gene: DNAH8 (dynein axonemal heavy chain 8; plus strand). Cytogenetic location: 6p21.2.
Variant type: single nucleotide variant.
Coding change: c.12958T>C on transcript NM_001206927.2 (MANE Select); coding-DNA position 12958, T replaced by C.
Protein change: p.Ser4320Pro; replaces serine 4320 with proline.
Molecular consequence: missense variant.
Genome position (GRCh38, 1-based): chr6:38,984,212, T>C. VCF-style: chr6-38984212-T-C. GRCh37 (hg19) VCF-style: chr6-38951988-T-C.
Other names: c.12307T>C, p.Ser4103Pro (NM_001371.4); short protein forms S4320P, S4103P.
Identifiers: ClinVar variation 407273 (VCV000407273.11), dbSNP rs765743748, ClinGen allele CA3791520.

ClinVar aggregate classification (germline): Uncertain significance. Review status: criteria provided, multiple submitters, no conflicts (2 of 4 stars). 2 submissions from 2 submitters: Uncertain significance (2). Last evaluated 2025-08-10.

Conditions:
Primary ciliary dyskinesia. Also called: Ciliary dyskinesia. Identifiers: Orphanet 244, MedGen C0008780, MONDO:0016575, HP:0012265.

Allele frequency attached by ClinVar (database versions not stated): gnomAD exomes 0.00001 and 0.00002; ExAC 0.00002; gnomAD 0.00005 and 0.00006; TOPMed 0.00005.
gnomAD v4.1: 17 of 1,569,508 alleles (0.0011%); highest among the groups gnomAD compares: African/African-American, 0.0041%; no homozygotes.

Submissions (2):

Ambry Genetics
Classification: Uncertain significance. Last evaluated: 2025-08-10. Review status: criteria provided, single submitter. Criteria: Ambry Variant Classification Scheme 2023. Collection method: clinical testing. Allele origin: germline.

Labcorp Genetics (formerly Invitae), Labcorp
Classification: Uncertain significance for Primary ciliary dyskinesia. Last evaluated: 2022-08-09. Review status: criteria provided, single submitter. Criteria: Invitae Variant Classification Sherloc (09022015). Collection method: clinical testing. Allele origin: germline.
Comment: This sequence change replaces serine, which is neutral and polar, with proline, which is neutral and non-polar, at codon 4320 of the DNAH8 protein (p.Ser4320Pro). This variant is present in population databases (rs765743748, gnomAD 0.008%). This variant has not been reported in the literature in individuals affected with DNAH8-related conditions. ClinVar contains an entry for this variant (Variation ID: 407273). Algorithms developed to predict the effect of missense changes on protein structure and function are either unavailable or do not agree on the potential impact of this missense change (SIFT: "Deleterious"; PolyPhen-2: "Not Available"; Align-GVGD: "Class C0"). In summary, the available evidence is currently insufficient to determine the role of this variant in disease. Therefore, it has been classified as a Variant of Uncertain Significance.